The following is an entry in ClinVar:

ClinVar aggregate classification (germline): Pathogenic (1 of 4 stars; one submission).

Conditions:
Neurodevelopmental disorder. Identifiers: MedGen C1535926, MeSH D065886, MONDO:0700092.

Submission:

Laboratory of Molecular Genetics (Pr. Bezieau's lab), CHU de Nantes
Classification: Pathogenic for Neurodevelopmental disorder. Last evaluated: 2026-05-27. Review status: criteria provided, single submitter. Criteria: ACMG Guidelines, 2015. Collection method: clinical testing. Allele origin: de novo. Inheritance: Autosomal dominant inheritance. Affected: yes. Observed: 1 variant allele, 1 heterozygote.
Comment: Evidence for loss of function/haploinsufficiency being pathogenic in PMID: 41415500. Decreased expression of PCBP1 expression in patient cells. ACMG criteria: PVS1, PS2, PM2. Protein change: p.(Met1?).

Literature cited by the submitters: PubMed 41415500.

NM_006196.4(PCBP1):c.1A>G (p.Met1Val)

Genes: PCBP1 (poly(rC) binding protein 1; plus strand), PCBP1-AS1 (PCBP1 antisense RNA 1; minus strand). Cytogenetic location: 2p13.3.
Variant type: single nucleotide variant.
Coding change: c.1A>G on transcript NM_006196.4 (MANE Select); coding-DNA position 1, A replaced by G.
Protein change: p.Met1Val; changes the start codon (methionine 1).
Molecular consequence: missense variant, initiator codon variant.
Genome position (GRCh38, 1-based): chr2:70,087,744, A>G. VCF-style: chr2-70087744-A-G. GRCh37 (hg19) VCF-style: chr2-70314876-A-G.
Other names: short protein forms M1V.
Identifiers: ClinVar variation 4852559 (VCV004852559.1).